The following is an entry in ClinVar:

ClinVar aggregate classification (germline): Uncertain significance (1 of 4 stars; one submission).

Submission:

Labcorp Genetics (formerly Invitae), Labcorp
Classification: Uncertain significance. Last evaluated: 2025-05-29. Review status: criteria provided, single submitter. Criteria: Invitae Variant Classification Sherloc (09022015). Collection method: clinical testing. Allele origin: germline.
Comment: This sequence change replaces glycine, which is neutral and non-polar, with aspartic acid, which is acidic and polar, at codon 483 of the CACNA1F protein (p.Gly483Asp). This variant is not present in population databases (gnomAD no frequency). This variant has not been reported in the literature in individuals affected with CACNA1F-related conditions. ClinVar contains an entry for this variant (Variation ID: 942679). An algorithm developed to predict the effect of missense changes on protein structure and function (PolyPhen-2) suggests that this variant is likely to be tolerated. In summary, the available evidence is currently insufficient to determine the role of this variant in disease. Therefore, it has been classified as a Variant of Uncertain Significance.

NM_001256789.3(CACNA1F):c.1415G>A (p.Gly472Asp)

Gene: CACNA1F (calcium voltage-gated channel subunit alpha1 F; minus strand). Cytogenetic location: Xp11.23.
Variant type: single nucleotide variant.
Coding change: c.1415G>A on transcript NM_001256789.3 (MANE Select); coding-DNA position 1415, G replaced by A.
Protein change: p.Gly472Asp; replaces glycine 472 with aspartic acid.
Molecular consequence: missense variant.
Genome position (GRCh38, 1-based): chrX:49,226,457, C>T on the plus strand (G>A on the coding strand, the complement: CACNA1F is on the minus strand). VCF-style: chrX-49226457-C-T. GRCh37 (hg19) VCF-style: chrX-49082919-C-T.
Other names: c.1253G>A, p.Gly418Asp (NM_001256790.3); c.1448G>A, p.Gly483Asp (NM_005183.4); short protein forms G472D, G418D, G483D.
Identifiers: ClinVar variation 942679 (VCV000942679.9), dbSNP rs2065825365, ClinGen allele CA412917368.